The following is an entry in ClinVar:

NM_001283009.2(RTEL1):c.3722G>A (p.Gly1241Asp)

Genes: RTEL1 (regulator of telomere elongation helicase 1; plus strand), RTEL1-TNFRSF6B (RTEL1-TNFRSF6B readthrough (NMD candidate); plus strand). Cytogenetic location: 20q13.33.
Variant type: single nucleotide variant.
Coding change: c.3722G>A on transcript NM_001283009.2 (MANE Select); coding-DNA position 3722, G replaced by A.
Protein change: p.Gly1241Asp; replaces glycine 1241 with aspartic acid.
Molecular consequence: missense variant. On other transcripts: non-coding transcript variant (1), intron variant (3).
Genome position (GRCh38, 1-based): chr20:63,695,550, G>A. VCF-style: chr20-63695550-G-A. GRCh37 (hg19) VCF-style: chr20-62326903-G-A.
Other names: c.2983+70G>A (NM_001283010.1); c.3724+70G>A (NM_032957.5); c.3652+70G>A (NM_016434.4); short protein forms G1241D.
Identifiers: ClinVar variation 5028544 (VCV005028544.1).
Genomic context (GRCh38, chr20:63,695,550, plus strand): 5'-ATGGGAGAGACATCGCTGGGCAGCAGGCCACGGGAGCTCCGGGCGGGCCCCTCTCAGCAG[G>A]CTGTGTGTGCCAGGGCTGTGGGGCAGAGGACGTGGTGCCCTTCCAGTGCCCTGCCTGTGA-3'
Protein context (NP_001269938.1, residues 1231-1251): TGAPGGPLSA[Gly1241Asp]CVCQGCGAED

ClinVar aggregate classification (germline): Uncertain significance (1 of 4 stars; one submission).

Conditions:
Inborn genetic diseases. Identifiers: MedGen C0950123, MeSH D030342.

gnomAD v4.1: 1 of 1,612,404 alleles (0.000062%); highest among the groups gnomAD compares: South Asian, 0.0011%; no homozygotes.

Submission:

Ambry Genetics
Classification: Uncertain significance for Inborn genetic diseases. Last evaluated: 2026-09-14. Review status: criteria provided, single submitter. Criteria: Ambry Variant Classification Scheme 2023. Collection method: clinical testing. Allele origin: germline.
Comment: The p.G1241D variant (also known as c.3722G>A), located in coding exon 33 of the RTEL1 gene, results from a G to A substitution at nucleotide position 3722. The glycine at codon 1241 is replaced by aspartic acid, an amino acid with similar properties. This amino acid position is conserved. In addition, this alteration is predicted to be tolerated by in silico analysis. Based on the available evidence, the clinical significance of this variant remains unclear.